The following is an entry in ClinVar:

ClinVar aggregate classification (germline): Conflicting classifications of pathogenicity. Review status: criteria provided, conflicting classifications (1 of 4 stars). 2 submissions from 2 submitters: Likely pathogenic (1); Uncertain significance (1). Last evaluated 2024-10-14.

Conditions:
Alport syndrome. Also called: Hemorrhagic familial nephritis; Hemorrhagic hereditary nephritis; Congenital hereditary hematuria. Identifiers: Orphanet 63, MedGen C1567741, MONDO:0018965.
Autosomal dominant Alport syndrome (ATS3A). Also called: Alport syndrome dominant type; Renal failure and sensorineural hearing loss; ALPORT SYNDROME 3A, AUTOSOMAL DOMINANT. Identifiers: Orphanet 63, Orphanet 88918, MedGen C5882663, MONDO:0007086, OMIM 104200.

Submissions (2):

Victorian Clinical Genetics Services, Murdoch Childrens Research Institute
Classification: Likely pathogenic for Alport syndrome. Last evaluated: 2024-10-14. Review status: criteria provided, single submitter. Criteria: ACMG Guidelines, 2015. Collection method: clinical testing. Allele origin: germline. Affected: yes.
Comment: This variant is classified as Likely pathogenic. Evidence in support of pathogenic classification: Variant is absent from gnomAD (v2, v3 and v4); Another missense variant(s) comparable to the one identified in this case has moderate previous evidence for pathogenicity. p.(Gly883Arg) has been classified as likely pathogenic and has been reported in a heterozygous individual with glomerulopathy (ClinVar, PMID: 30586318). This variant has also been reported in an individual with a thin glomerular basement membrane, severe interstitial fibrosis, tubular atrophy and global and segmental glomerulosclerosis; however, they also harboured two variants in COL4A4 (PMID: 37849993); Variant is located in the well-established functional Gly-X-Y motif (DECIPHER); Missense variant predicted to be damaging by an in silico tool or highly conserved with a major amino acid change. Additional information: Variant is predicted to result in a missense amino acid change from glycine to glutamic acid; This variant is heterozygous; This gene is associated with both recessive (Alport syndrome 3B (MIM#620536)) and dominant disease (Alport syndrome 3A (MIM#104200)) (OMIM); An alternative amino acid change at the same position has been observed in gnomAD (v4: 5 heterozygote(s), 0 homozygote(s)); Previous evidence of pathogenicity for this variant is inconclusive. This variant has been classified as a VUS by a clinical laboratory in ClinVar. - No published segregation evidence has been identified for this variant; No published functional evidence has been identified for this variant; Dominant negative and loss of function are known mechanisms of disease in this gene and are associated with Alport syndrome (MONDO:0018965), COL4A3-related. Glycine changes that are part of a Gly-X-Y repeat in the triple helix of a collagen domain are known to have a dominant negative effect (PMID: 12028435); Inheritance information for this variant is not currently available in this individual.

Molecular Genetics, Royal Melbourne Hospital
Classification: Uncertain significance for Autosomal dominant Alport syndrome. Last evaluated: 2023-03-30. Review status: criteria provided, single submitter. Criteria: ACMG Guidelines, 2015. Collection method: clinical testing. Allele origin: germline. Affected: yes.
Comment: This sequence change in COL4A3 is predicted to replace glycine with glutamic acid at codon 883 (p.(Gly883Glu)). The glycine residue is highly conserved (100 vertebrates, UCSC), and alters a critical glycine residue in a collagen triple helix repeat (Gly-X-Y) in one of the intermediate collagenous domains. There is a moderate physicochemical difference between glycine and glutamic acid. This variant is absent from gnomAD v2.1 and v3.1. To our knowledge, this variant has not been reported in the literature in any individuals with haematuria or Alport syndrome. Multiple lines of computational evidence predict a deleterious effect for the missense substitution (6/6 algorithms). Based on the classification scheme RMH Modified ACMG Guidelines v1.4.0, this variant is classified as a VARIANT OF UNCERTAIN SIGNIFICANCE. Following criteria are met: PM1, PM2_Supporting, PP3.

Literature cited by the submitters: PubMed 30586318 (cited by Victorian Clinical Genetics Services, Murdoch Childrens Research Institute); PubMed 12028435 (cited by Victorian Clinical Genetics Services, Murdoch Childrens Research Institute); PubMed 37849993 (cited by Victorian Clinical Genetics Services, Murdoch Childrens Research Institute).

NM_000091.5(COL4A3):c.2648G>A (p.Gly883Glu)

Genes: COL4A3 (collagen type IV alpha 3 chain; plus strand), MFF-DT (MFF divergent transcript; minus strand). Cytogenetic location: 2q36.3.
Variant type: single nucleotide variant.
Coding change: c.2648G>A on transcript NM_000091.5 (MANE Select); coding-DNA position 2648, G replaced by A.
Protein change: p.Gly883Glu; replaces glycine 883 with glutamic acid.
Molecular consequence: missense variant.
Genome position (GRCh38, 1-based): chr2:227,282,524, G>A. VCF-style: chr2-227282524-G-A. GRCh37 (hg19) VCF-style: chr2-228147240-G-A.
Other names: short protein forms G883E.
Identifiers: ClinVar variation 1676243 (VCV001676243.4), dbSNP rs2106164814, ClinGen allele CA350850882.